The following is an entry in ClinVar:

ClinVar aggregate classification (germline): Likely benign. Review status: reviewed by expert panel (3 of 4 stars). 13 submissions from 13 submitters: Likely benign (1). 12 of the submissions do not count toward it. Last evaluated 2017-06-29.

Conditions:
Familial cancer of breast. Also called: Hereditary breast cancer; hereditary breast carcinoma; BREAST CANCER, FAMILIAL. Identifiers: Orphanet 227535, MedGen C0346153, MONDO:0016419, OMIM 114480. Disease mechanism: loss of function.
Breast-ovarian cancer, familial, susceptibility to, 1 (BROVCA1). Also called: BRCA1 Hereditary Breast and Ovarian Cancer; OVARIAN CANCER, SUSCEPTIBILITY TO. Identifiers: Orphanet 145, MedGen C2676676, MONDO:0011450, OMIM 604370. Disease mechanism: loss of function.
Fanconi anemia, complementation group S (FANCS). Identifiers: MedGen C4554406, MONDO:0054748, OMIM 617883.
BRCA1-related cancer predisposition. Identifiers: MedGen CN377757, MONDO:0700268.
Hereditary cancer-predisposing syndrome. Also called: Tumor predisposition; Hereditary neoplastic syndrome; Hereditary Cancer Syndrome; Neoplastic Syndromes, Hereditary. Identifiers: Orphanet 140162, MedGen C0027672, MeSH D009386, MONDO:0015356.
Hereditary breast ovarian cancer syndrome. Also called: Hereditary breast and/or ovarian cancer syndrome; Breast and ovarian cancer; Hereditary breast and ovarian cancer syndrome; Hereditary breast and ovarian cancer; Hereditary breast and ovarian cancer syndrome (HBOC); BRCA1- and BRCA2-Associated Hereditary Breast and Ovarian Cancer. Identifiers: Orphanet 145, MedGen C0677776, MeSH D061325, MONDO:0003582. Disease mechanism: loss of function.

Allele frequency attached by ClinVar (database versions not stated): gnomAD exomes 0.00001 and 0.00004; ExAC 0.00003; TOPMed 0.00009; gnomAD 0.00010 and 0.00011; ESP Exome Variant Server 0.00015.
gnomAD v4.1: 35 of 1,613,928 alleles (0.0022%); highest among the groups gnomAD compares: African/African-American, 0.035%; no homozygotes.

Submissions (13):

Evidence-based Network for the Interpretation of Germline Mutant Alleles (ENIGMA)
Classification: Likely benign for Breast-ovarian cancer, familial, susceptibility to, 1. Last evaluated: 2017-06-29. Review status: reviewed by expert panel. Criteria: ENIGMA BRCA1/2 Classification Criteria (2017-06-29). Collection method: curation. Allele origin: germline.
Comment: Synonymous substitution variant, with low bioinformatic likelihood to result in a splicing aberration (Splicing prior probability 0.02).

Institute for Biomarker Research, Medical Diagnostic Laboratories, L.L.C.
Classification: Likely benign for Hereditary breast ovarian cancer syndrome. Last evaluated: 2026-03-30. Review status: criteria provided, single submitter. Criteria: ACMG Guidelines, 2015. Collection method: clinical testing. Allele origin: germline. Not counted in ClinVar's aggregate classification.
Comment: The synonymous variant NM_007294.4(BRCA1):c.1905T>C (p.Asn635=) has been reported to ClinVar as Likely benign with a status of (3 stars) reviewed by expert panel (Accession: VCV000136542.30). The p.Asn635= variant is not predicted to disrupt an existing splice site. The p.Asn635= variant results in a substitution of a base that is not predicted conserved by GERP++ and PhyloP. For these reasons, this variant has been classified as Likely Benign.

Labcorp Genetics (formerly Invitae), Labcorp
Classification: Likely benign for Hereditary breast ovarian cancer syndrome. Last evaluated: 2025-12-23. Review status: criteria provided, single submitter. Criteria: Invitae Variant Classification Sherloc (09022015). Collection method: clinical testing. Allele origin: germline. Not counted in ClinVar's aggregate classification.

All of Us Research Program, National Institutes of Health
Classification: Likely benign for BRCA1-related cancer predisposition. Last evaluated: 2024-09-23. Review status: criteria provided, single submitter. Criteria: ACMG Guidelines, 2015. Collection method: clinical testing. Allele origin: germline. Inheritance: Autosomal dominant inheritance. Observed: 12 variant alleles, 12 heterozygotes. Not counted in ClinVar's aggregate classification.
Comment: This study involves interpretation of variants in research participants for the purpose of population health screening. Participant phenotype was not available at the time of variant classification. Additional details can be found in publication PMID: 35346344, PMCID: PMC8962531

KCCC/NGS Laboratory, Kuwait Cancer Control Center
Classification: Likely benign for Breast-ovarian cancer, familial, susceptibility to, 1. Last evaluated: 2023-07-07. Review status: criteria provided, single submitter. Criteria: ACMG Guidelines, 2015. Collection method: clinical testing. Allele origin: germline. Affected: yes. Not counted in ClinVar's aggregate classification.

Quest Diagnostics Nichols Institute San Juan Capistrano
Classification: Benign. Last evaluated: 2023-03-15. Review status: criteria provided, single submitter. Criteria: Quest Diagnostics criteria. Collection method: clinical testing. Allele origin: unknown. Not counted in ClinVar's aggregate classification.

Department of Pathology and Laboratory Medicine, Sinai Health System
Classification: Likely benign for Familial cancer of breast; Breast-ovarian cancer, familial, susceptibility to, 1; Fanconi anemia, complementation group S. Last evaluated: 2022-06-13. Review status: criteria provided, single submitter. Criteria: ACMG Guidelines, 2015. Collection method: clinical testing. Allele origin: germline. Affected: yes. Not counted in ClinVar's aggregate classification.

Sema4
Classification: Likely benign for Hereditary cancer-predisposing syndrome. Last evaluated: 2021-04-14. Review status: criteria provided, single submitter. Criteria: Sema4 Curation Guidelines. Collection method: curation. Allele origin: germline. Not counted in ClinVar's aggregate classification.

Women's Health and Genetics/Laboratory Corporation of America, LabCorp
Classification: Likely benign. Last evaluated: 2020-12-03. Review status: criteria provided, single submitter. Criteria: LabCorp Variant Classification Summary - May 2015. Collection method: clinical testing. Allele origin: germline. Not counted in ClinVar's aggregate classification.

Mendelics
Classification: Likely benign for Breast-ovarian cancer, familial, susceptibility to, 1. Last evaluated: 2019-05-28. Review status: criteria provided, single submitter. Criteria: Mendelics Assertion Criteria 2017. Collection method: clinical testing. Allele origin: unknown. Not counted in ClinVar's aggregate classification.

Color Diagnostics, LLC DBA Color Health
Classification: Likely benign for Hereditary cancer-predisposing syndrome. Last evaluated: 2015-11-17. Review status: criteria provided, single submitter. Criteria: ACMG Guidelines, 2015. Collection method: clinical testing. Allele origin: germline. Not counted in ClinVar's aggregate classification.

Ambry Genetics
Classification: Likely benign for Hereditary cancer-predisposing syndrome. Last evaluated: 2015-07-01. Review status: criteria provided, single submitter. Criteria: Ambry Variant Classification Scheme 2023. Collection method: clinical testing. Allele origin: germline. Not counted in ClinVar's aggregate classification.

GeneDx
Classification: Benign. Last evaluated: 2014-05-13. Review status: criteria provided, single submitter. Criteria: GeneDx Variant Classification (06012015). Collection method: clinical testing. Allele origin: germline. Affected: yes. Not counted in ClinVar's aggregate classification.
Comment: This variant is considered likely benign or benign based on one or more of the following criteria: it is a conservative change, it occurs at a poorly conserved position in the protein, it is predicted to be benign by multiple in silico algorithms, and/or has population frequency not consistent with disease.

Literature cited by the submitters: PubMed 16267036 (cited by Quest Diagnostics Nichols Institute San Juan Capistrano and Women's Health and Genetics/Laboratory Corporation of America, LabCorp).

NM_007294.4(BRCA1):c.1905T>C (p.Asn635=)

Gene: BRCA1 (BRCA1 DNA repair associated; minus strand). Cytogenetic location: 17q21.31.
Variant type: single nucleotide variant.
Coding change: c.1905T>C on transcript NM_007294.4 (MANE Select); coding-DNA position 1905, T replaced by C.
Protein change: p.Asn635=; no amino-acid change (asparagine 635 retained).
Molecular consequence: synonymous variant. On other transcripts: intron variant (137).
Genome position (GRCh38, 1-based): chr17:43,093,626, A>G on the plus strand (T>C on the coding strand, the complement: BRCA1 is on the minus strand). VCF-style: chr17-43093626-A-G. GRCh37 (hg19) VCF-style: chr17-41245643-A-G.
Other names: p.N635N:AAT>AAC; c.1905T>C (NM_007300.3); c.787+1118T>C (NM_001407970.1, NM_001407980.1, NM_001407993.1 and 19 more transcripts); c.1692T>C, p.Asn564= (NM_001407571.1, NM_001407853.1, NM_001407894.1 and 9 more transcripts); c.1905T>C, p.Asn635= (NM_001407581.1, NM_001407582.1, NM_001407583.1 and 30 more transcripts); c.1902T>C, p.Asn634= (NM_001407587.1, NM_001407590.1, NM_001407591.1 and 22 more transcripts); c.1896T>C, p.Asn632= (NM_001407646.1, NM_001407647.1); c.1782T>C, p.Asn594= (NM_001407648.1, NM_001407664.1, NM_001407665.1 and 19 more transcripts); and 42 more.
Identifiers: ClinVar variation 136542 (VCV000136542.31), dbSNP rs369373293, ClinGen allele CA001245.
Genomic context (GRCh38, chr17:43,093,626, plus strand): 5'-GTACTTTTTTTTCTTTATCTCTTCACTGCTAGAACAACTATCAATTTGCAATTCAGTACA[A>G]TTAGGTGGGCTTAGATTTCTACTGACTACTAGTTCAAGCGCATGAATATGCCTGGTAGAA-3'
Protein context (NP_009225.1, residues 625-645): LVVSRNLSPP[Asn635=]CTELQIDSCS